The following is an entry in ClinVar:

ClinVar aggregate classification (germline): Uncertain significance. Review status: criteria provided, multiple submitters, no conflicts (2 of 4 stars). 2 submissions from 2 submitters: Uncertain significance (2). Last evaluated 2025-01-24.

Conditions:
Polycystic liver disease 4 with or without kidney cysts. Identifiers: MedGen C4693479, MONDO:0044327, OMIM 617875.
Exudative vitreoretinopathy 4 (EVR4). Identifiers: Orphanet 891, MedGen C1866176, MONDO:0011151, OMIM 601813.
Worth disease. Also called: Autosomal dominant osteosclerosis, Worth type; ENDOSTEAL HYPEROSTOSIS, AUTOSOMAL DOMINANT; OSTEOSCLEROSIS, AUTOSOMAL DOMINANT. Identifiers: Orphanet 2790, MedGen C0432273, MONDO:0007764, OMIM 144750.
Bone mineral density quantitative trait locus 1 (BMND1). Identifiers: MedGen C1866079, OMIM 601884.
Autosomal dominant osteopetrosis 1 (OPTA1). Also called: OSTEOPETROSIS, AUTOSOMAL DOMINANT, TYPE I. Identifiers: Orphanet 2783, MedGen C1843330, MONDO:0011877, OMIM 607634.
Osteoporosis with pseudoglioma (OPPG). Also called: osteoporosis-pseudoglioma syndrome. Identifiers: Orphanet 2788, MedGen C0432252, MONDO:0009820, OMIM 259770.

Submissions (2):

Labcorp Genetics (formerly Invitae), Labcorp
Classification: Uncertain significance. Last evaluated: 2025-01-24. Review status: criteria provided, single submitter. Criteria: Invitae Variant Classification Sherloc (09022015). Collection method: clinical testing. Allele origin: germline.
Comment: This sequence change replaces serine, which is neutral and polar, with asparagine, which is neutral and polar, at codon 1553 of the LRP5 protein (p.Ser1553Asn). This variant is not present in population databases (gnomAD no frequency). This variant has not been reported in the literature in individuals affected with LRP5-related conditions. Invitae Evidence Modeling of protein sequence and biophysical properties (such as structural, functional, and spatial information, amino acid conservation, physicochemical variation, residue mobility, and thermodynamic stability) indicates that this missense variant is not expected to disrupt LRP5 protein function with a negative predictive value of 95%. In summary, the available evidence is currently insufficient to determine the role of this variant in disease. Therefore, it has been classified as a Variant of Uncertain Significance.

Fulgent Genetics
Classification: Uncertain significance for Worth disease; Osteoporosis with pseudoglioma; Exudative vitreoretinopathy 4; Bone mineral density quantitative trait locus 1; Autosomal dominant osteopetrosis 1; Polycystic liver disease 4 with or without kidney cysts. Last evaluated: 2024-04-08. Review status: criteria provided, single submitter. Criteria: ACMG Guidelines, 2015. Collection method: clinical testing. Allele origin: germline.

NM_002335.4(LRP5):c.4658G>A (p.Ser1553Asn)

Gene: LRP5 (LDL receptor related protein 5; plus strand). Cytogenetic location: 11q13.2.
Variant type: single nucleotide variant.
Coding change: c.4658G>A on transcript NM_002335.4 (MANE Select); coding-DNA position 4658, G replaced by A.
Protein change: p.Ser1553Asn; replaces serine 1553 with asparagine.
Molecular consequence: missense variant.
Genome position (GRCh38, 1-based): chr11:68,448,880, G>A. VCF-style: chr11-68448880-G-A. GRCh37 (hg19) VCF-style: chr11-68216348-G-A.
Other names: c.2915G>A, p.Ser972Asn (NM_001291902.2); short protein forms S972N, S1553N.
Identifiers: ClinVar variation 3573945 (VCV003573945.3).